The following is an entry in ClinVar:

ClinVar aggregate classification (germline): Uncertain significance (1 of 4 stars; one submission).

Conditions:
Genitopatellar syndrome (GTPTS). Also called: ABSENT PATELLAE, SCROTAL HYPOPLASIA, RENAL ANOMALIES, FACIAL DYSMORPHISM, AND MENTAL RETARDATION; Genitopatellar syndrome (GPS). Identifiers: Orphanet 85201, MedGen C1853566, MONDO:0011640, OMIM 606170.

Submission:

Labcorp Genetics (formerly Invitae), Labcorp
Classification: Uncertain significance for Genitopatellar syndrome. Last evaluated: 2022-08-13. Review status: criteria provided, single submitter. Criteria: Invitae Variant Classification Sherloc (09022015). Collection method: clinical testing. Allele origin: germline.
Comment: Algorithms developed to predict the effect of missense changes on protein structure and function (SIFT, PolyPhen-2, Align-GVGD) all suggest that this variant is likely to be tolerated. This variant has not been reported in the literature in individuals affected with KAT6B-related conditions. This variant is not present in population databases (gnomAD no frequency). This sequence change replaces asparagine, which is neutral and polar, with histidine, which is basic and polar, at codon 1519 of the KAT6B protein (p.Asn1519His). In summary, the available evidence is currently insufficient to determine the role of this variant in disease. Therefore, it has been classified as a Variant of Uncertain Significance.

NM_012330.4(KAT6B):c.4555A>C (p.Asn1519His)

Gene: KAT6B (lysine acetyltransferase 6B; plus strand). Cytogenetic location: 10q22.2.
Variant type: single nucleotide variant.
Coding change: c.4555A>C on transcript NM_012330.4 (MANE Select); coding-DNA position 4555, A replaced by C.
Protein change: p.Asn1519His; replaces asparagine 1519 with histidine.
Molecular consequence: missense variant.
Genome position (GRCh38, 1-based): chr10:75,029,379, A>C. VCF-style: chr10-75029379-A-C. GRCh37 (hg19) VCF-style: chr10-76789137-A-C.
Other names: c.4006A>C, p.Asn1336His (NM_001256468.2, NM_001370138.1); c.3679A>C, p.Asn1227His (NM_001256469.2, NM_001370139.1, NM_001370140.1 and 2 more transcripts); c.3517A>C, p.Asn1173His (NM_001370132.1); c.2866A>C, p.Asn956His (NM_001370133.1); c.2470A>C, p.Asn824His (NM_001370134.1); c.2212A>C, p.Asn738His (NM_001370135.1); c.4555A>C, p.Asn1519His (NM_001370136.1, NM_001370137.1); c.3490A>C, p.Asn1164His (NM_001370143.1, NM_001370144.1); short protein forms N1164H, N738H, N1227H, N1173H, N1336H, N1519H, N824H, N956H.
Identifiers: ClinVar variation 1977218 (VCV001977218.5), dbSNP rs2549203553, ClinGen allele CA377297744.